The following is an entry in ClinVar:

NM_000053.4(ATP7B):c.2695A>G (p.Ile899Val)

Gene: ATP7B (ATPase copper transporting beta; minus strand). Cytogenetic location: 13q14.3.
Variant type: single nucleotide variant.
Coding change: c.2695A>G on transcript NM_000053.4 (MANE Select); coding-DNA position 2695, A replaced by G.
Protein change: p.Ile899Val; replaces isoleucine 899 with valine.
Molecular consequence: missense variant.
Genome position (GRCh38, 1-based): chr13:51,950,042, T>C on the plus strand (A>G on the coding strand, the complement: ATP7B is on the minus strand). VCF-style: chr13-51950042-T-C. GRCh37 (hg19) VCF-style: chr13-52524178-T-C.
Other names: c.2695A>G, p.Ile899Val (NM_001406515.1, NM_001406516.1, NM_001406519.1 and 7 more transcripts); c.2599A>G, p.Ile867Val (NM_001406517.1, NM_001406518.1); c.2551A>G, p.Ile851Val (NM_001406520.1, NM_001406521.1, NM_001406522.1 and 1 more transcripts); c.2365A>G, p.Ile789Val (NM_001406536.1); c.2461A>G, p.Ile821Val (NM_001406538.1, NM_001330578.2, NM_001406527.1 and 2 more transcripts); c.2266A>G, p.Ile756Val (NM_001406539.1); c.2443A>G, p.Ile815Val (NM_001406540.1, NM_001330579.2, NM_001406531.1 and 1 more transcripts); c.2209A>G, p.Ile737Val (NM_001406541.1, NM_001406542.1, NM_001406546.1 and 1 more transcripts); and 8 more; short protein forms I469V, I683V, I705V, I737V, I756V, I783V, I788V, I789V.
Identifiers: ClinVar variation 4687269 (VCV004687269.1).
Genomic context (GRCh38, chr13:51,950,042, plus strand): 5'-TTAGTTTTAAAAATTTCTTCATTACCTTTGACATCTGAGCCTCTTCCACCAGTTTCACAA[T>C]CTGAGCCAAAGTGGTGTCATTGCCCACGTGGGTAGCTTTAATGAGCACAGAGCCATGTGC-3'
Protein context (NP_000044.2, residues 889-909): HVGNDTTLAQ[Ile899Val]VKLVEEAQMS

ClinVar aggregate classification (germline): Uncertain significance (1 of 4 stars; one submission).

Submission:

Women's Health and Genetics/Laboratory Corporation of America, LabCorp
Classification: Uncertain significance. Last evaluated: 2025-10-15. Review status: criteria provided, single submitter. Criteria: LabCorp Variant Classification Summary - May 2015. Collection method: clinical testing. Allele origin: germline.
Comment: Variant summary: ATP7B c.2695A>G (p.Ile899Val) results in a conservative amino acid change in the encoded protein sequence. Algorithms developed to predict the effect of missense changes on protein structure and function are either unavailable or do not agree on the potential impact of this missense change. The variant was absent in 280980 control chromosomes. The available data on variant occurrences in the general population are insufficient to allow any conclusion about variant significance. To our knowledge, no occurrence of c.2695A>G in individuals affected with ATP7B-related conditions and no experimental evidence demonstrating its impact on protein function have been reported. No submitters have cited clinical-significance assessments for this variant to ClinVar. Based on the evidence outlined above, the variant was classified as uncertain significance.